The following is an entry in ClinVar:

ClinVar aggregate classification (germline): Uncertain significance. Review status: criteria provided, multiple submitters, no conflicts (2 of 4 stars). 5 submissions from 5 submitters: Uncertain significance (5). Last evaluated 2025-07-31.

Conditions:
Hereditary cancer-predisposing syndrome. Also called: Hereditary neoplastic syndrome; Neoplastic Syndromes, Hereditary; Tumor predisposition; Hereditary Cancer Syndrome. Identifiers: Orphanet 140162, MedGen C0027672, MeSH D009386, MONDO:0015356.
Familial cancer of breast. Also called: Hereditary breast cancer; hereditary breast carcinoma; BREAST CANCER, FAMILIAL. Identifiers: Orphanet 227535, MedGen C0346153, MONDO:0016419, OMIM 114480. Disease mechanism: loss of function.
Fanconi anemia complementation group J. Also called: BRIP1-Related Fanconi Anemia. Identifiers: Orphanet 84, MedGen C1836860, MONDO:0012187, OMIM 609054.

Allele frequency attached by ClinVar (database versions not stated): gnomAD exomes below 0.00001; TOPMed 0.00001.
gnomAD v4.1: 1 of 1,614,098 alleles (0.000062%); highest among the groups gnomAD compares: African/African-American, 0.0013%; no homozygotes.

Submissions (5):

Labcorp Genetics (formerly Invitae), Labcorp
Classification: Uncertain significance for Familial cancer of breast; Fanconi anemia complementation group J. Last evaluated: 2025-07-31. Review status: criteria provided, single submitter. Criteria: Invitae Variant Classification Sherloc (09022015). Collection method: clinical testing. Allele origin: germline.
Comment: This sequence change replaces glutamic acid, which is acidic and polar, with glycine, which is neutral and non-polar, at codon 1110 of the BRIP1 protein (p.Glu1110Gly). This variant is not present in population databases (gnomAD no frequency). This variant has not been reported in the literature in individuals affected with BRIP1-related conditions. ClinVar contains an entry for this variant (Variation ID: 407813). Invitae Evidence Modeling of protein sequence and biophysical properties (such as structural, functional, and spatial information, amino acid conservation, physicochemical variation, residue mobility, and thermodynamic stability) indicates that this missense variant is not expected to disrupt BRIP1 protein function with a negative predictive value of 95%. In summary, the available evidence is currently insufficient to determine the role of this variant in disease. Therefore, it has been classified as a Variant of Uncertain Significance.

Ambry Genetics
Classification: Uncertain significance for Hereditary cancer-predisposing syndrome. Last evaluated: 2024-05-11. Review status: criteria provided, single submitter. Criteria: Ambry Variant Classification Scheme 2023. Collection method: clinical testing. Allele origin: germline.
Comment: The p.E1110G variant (also known as c.3329A>G), located in coding exon 19 of the BRIP1 gene, results from an A to G substitution at nucleotide position 3329. The glutamic acid at codon 1110 is replaced by glycine, an amino acid with similar properties. This amino acid position is not well conserved in available vertebrate species. In addition, this alteration is predicted to be tolerated by in silico analysis. Since supporting evidence is limited at this time, the clinical significance of this alteration remains unclear.

Baylor Genetics
Classification: Uncertain significance for Familial cancer of breast. Last evaluated: 2024-01-30. Review status: criteria provided, single submitter. Criteria: ACMG Guidelines, 2015. Collection method: clinical testing. Allele origin: unknown.

Color Diagnostics, LLC DBA Color Health
Classification: Uncertain significance for Hereditary cancer-predisposing syndrome. Last evaluated: 2023-12-04. Review status: criteria provided, single submitter. Criteria: ACMG Guidelines, 2015. Collection method: clinical testing. Allele origin: germline.
Comment: This missense variant replaces glutamic acid with glycine at codon 1110 of the BRIP1 protein. Computational prediction suggests that this variant may not impact protein structure and function (internally defined REVEL score threshold <= 0.5, PMID: 27666373). To our knowledge, functional studies have not been reported for this variant. This variant has not been reported in individuals affected with BRIP1-related disorders in the literature. This variant has not been identified in the general population by the Genome Aggregation Database (gnomAD). The available evidence is insufficient to determine the role of this variant in disease conclusively. Therefore, this variant is classified as a Variant of Uncertain Significance.

GeneDx
Classification: Uncertain significance. Last evaluated: 2022-06-06. Review status: criteria provided, single submitter. Criteria: GeneDx Variant Classification Process June 2021. Collection method: clinical testing. Allele origin: germline. Affected: yes.
Comment: Not observed at significant frequency in large population cohorts (gnomAD); In silico analysis supports that this missense variant does not alter protein structure/function; Has not been previously published as pathogenic or benign to our knowledge

NM_032043.3(BRIP1):c.3329A>G (p.Glu1110Gly)

Gene: BRIP1 (BRCA1 interacting DNA helicase 1; minus strand). Cytogenetic location: 17q23.2.
Variant type: single nucleotide variant.
Coding change: c.3329A>G on transcript NM_032043.3 (MANE Select); coding-DNA position 3329, A replaced by G.
Protein change: p.Glu1110Gly; replaces glutamic acid 1110 with glycine.
Molecular consequence: missense variant.
Genome position (GRCh38, 1-based): chr17:61,683,717, T>C on the plus strand (A>G on the coding strand, the complement: BRIP1 is on the minus strand). VCF-style: chr17-61683717-T-C. GRCh37 (hg19) VCF-style: chr17-59761078-T-C.
Other names: short protein forms E1110G.
Identifiers: ClinVar variation 407813 (VCV000407813.17), dbSNP rs1060501742, ClinGen allele CA16615483.